The following is an entry in ClinVar:

ClinVar aggregate classification (germline): Uncertain significance (1 of 4 stars; one submission).

Allele frequency attached by ClinVar (database versions not stated): ExAC 0.00001; gnomAD exomes 0.00001; TOPMed 0.00002; gnomAD 0.00010; 1000 Genomes Project 30x 0.00016; 1000 Genomes Project 0.00020.
gnomAD v4.1: 22 of 1,609,906 alleles (0.0014%); highest among the groups gnomAD compares: African/African-American, 0.027%; 1 homozygote.

Submission:

Labcorp Genetics (formerly Invitae), Labcorp
Classification: Uncertain significance. Last evaluated: 2025-01-05. Review status: criteria provided, single submitter. Criteria: Invitae Variant Classification Sherloc (09022015). Collection method: clinical testing. Allele origin: germline.
Comment: This sequence change replaces threonine, which is neutral and polar, with alanine, which is neutral and non-polar, at codon 313 of the MYO5B protein (p.Thr313Ala). This variant is present in population databases (rs182144565, gnomAD 0.008%). This variant has not been reported in the literature in individuals affected with MYO5B-related conditions. ClinVar contains an entry for this variant (Variation ID: 1906019). Invitae Evidence Modeling of protein sequence and biophysical properties (such as structural, functional, and spatial information, amino acid conservation, physicochemical variation, residue mobility, and thermodynamic stability) indicates that this missense variant is not expected to disrupt MYO5B protein function with a negative predictive value of 80%. In summary, the available evidence is currently insufficient to determine the role of this variant in disease. Therefore, it has been classified as a Variant of Uncertain Significance.

NM_001080467.3(MYO5B):c.937A>G (p.Thr313Ala)

Gene: MYO5B (myosin VB; minus strand). Cytogenetic location: 18q21.1.
Variant type: single nucleotide variant.
Coding change: c.937A>G on transcript NM_001080467.3 (MANE Select); coding-DNA position 937, A replaced by G.
Protein change: p.Thr313Ala; replaces threonine 313 with alanine.
Molecular consequence: missense variant.
Genome position (GRCh38, 1-based): chr18:49,984,727, T>C on the plus strand (A>G on the coding strand, the complement: MYO5B is on the minus strand). VCF-style: chr18-49984727-T-C. GRCh37 (hg19) VCF-style: chr18-47511097-T-C.
Other names: short protein forms T313A.
Identifiers: ClinVar variation 1906019 (VCV001906019.4), dbSNP rs182144565, ClinGen allele CA8961716.